The following is an entry in ClinVar:

ClinVar aggregate classification (germline): Uncertain significance (1 of 4 stars; one submission).

Conditions:
Norman-Roberts syndrome (LIS2). Also called: Lissencephaly 2 (Norman-Roberts type). Identifiers: Orphanet 89844, MedGen C0796089, MONDO:0009760, OMIM 257320.
Familial temporal lobe epilepsy 7. Identifiers: Orphanet 101046, MedGen C4225327, MONDO:0014639, OMIM 616436.

Submission:

Labcorp Genetics (formerly Invitae), Labcorp
Classification: Uncertain significance for Familial temporal lobe epilepsy 7; Norman-Roberts syndrome. Last evaluated: 2022-08-10. Review status: criteria provided, single submitter. Criteria: Invitae Variant Classification Sherloc (09022015). Collection method: clinical testing. Allele origin: germline.
Comment: ClinVar contains an entry for this variant (Variation ID: 475948). In summary, the available evidence is currently insufficient to determine the role of this variant in disease. Therefore, it has been classified as a Variant of Uncertain Significance. Experimental studies and prediction algorithms are not available or were not evaluated, and the functional significance of this variant is currently unknown. This variant has not been reported in the literature in individuals affected with RELN-related conditions. This variant is present in population databases (no rsID available, gnomAD 0.01%). This variant, c.10310_10312del, results in the deletion of 1 amino acid(s) of the RELN protein (p.Met3437del), but otherwise preserves the integrity of the reading frame.

NM_005045.4(RELN):c.10307TGA[1] (p.Met3437del)

Genes: SLC26A5-AS1 (SLC26A5 antisense RNA 1; plus strand), RELN (reelin; minus strand). Cytogenetic location: 7q22.1.
Variant type: Microsatellite.
Coding change: c.10307TGA[1] on transcript NM_005045.4 (MANE Select); one copy of the 3-base unit TGA starting at c.10307; the reference has two copies in a row; one copy, 3 bases deleted; also written c.10310_10312del.
Protein change: p.Met3437del; deletes methionine 3437.
Molecular consequence: inframe deletion.
Genome position (GRCh38, 1-based): chr7:103,472,883-103,472,885, TCA deleted on the plus strand (TGA on the coding strand, the reverse complement: RELN is on the minus strand); deleting any 3 consecutive bases within chr7:103,472,883-103,472,889 gives the same sequence; the position shown is the placement nearest the transcript's 3' end. VCF-style (leftmost placement, unchanged base first): chr7-103472882-TTCA-T. GRCh37 (hg19) VCF-style: chr7-103113329-TTCA-T.
Other names: c.10301TGA[1], p.Met3435del (NM_173054.3); c.10310_10312del (NM_005045.3); short protein forms M3437del, M3435del.
Identifiers: ClinVar variation 475948 (VCV000475948.11), dbSNP rs1406481652, ClinGen allele CA576949794.